The following is an entry in ClinVar:

ClinVar aggregate classification (germline): Likely benign (0 of 4 stars; one submission).

Conditions:
BBOX1-related disorder. Also called: BBOX1-related condition.

Allele frequency attached by ClinVar (database versions not stated): 1000 Genomes Project 0.00020; 1000 Genomes Project 30x 0.00031; gnomAD 0.00190; TOPMed 0.00221; ESP Exome Variant Server 0.00338.
gnomAD v4.1: 5,284 of 1,613,042 alleles (0.33%); highest among the groups gnomAD compares: Non-Finnish European, 0.4%; 10 homozygotes.

Submission:

PreventionGenetics, part of Exact Sciences
Classification: Likely benign for BBOX1-related condition. Last evaluated: 2023-02-25. Review status: no assertion criteria provided. Collection method: clinical testing. Allele origin: germline.
Comment: This variant is classified as likely benign based on ACMG/AMP sequence variant interpretation guidelines (Richards et al. 2015 PMID: 25741868, with internal and published modifications).

NM_003986.3(BBOX1):c.960C>A (p.Leu320=)

Genes: BBOX1 (gamma-butyrobetaine hydroxylase 1; plus strand), BBOX1-AS1 (BBOX1 antisense RNA 1; minus strand). Cytogenetic location: 11p14.2.
Variant type: single nucleotide variant.
Coding change: c.960C>A on transcript NM_003986.3 (MANE Select); coding-DNA position 960, C replaced by A.
Protein change: p.Leu320=; no amino-acid change (leucine 320 retained).
Molecular consequence: synonymous variant.
Genome position (GRCh38, 1-based): chr11:27,125,777, C>A. VCF-style: chr11-27125777-C-A. GRCh37 (hg19) VCF-style: chr11-27147324-C-A.
Other names: c.960C>A, p.Leu320= (NM_001376258.1, NM_001376259.1, NM_001376260.1 and 1 more transcripts).
Identifiers: ClinVar variation 3035182 (VCV003035182.2), dbSNP rs139242616, ClinGen allele CA5927687.